The following is an entry in ClinVar:

NM_000059.4(BRCA2):c.55T>C (p.Cys19Arg)

Gene: BRCA2 (BRCA2 DNA repair associated; plus strand). Cytogenetic location: 13q13.1.
Variant type: single nucleotide variant.
Coding change: c.55T>C on transcript NM_000059.4 (MANE Select); coding-DNA position 55, T replaced by C.
Protein change: p.Cys19Arg; replaces cysteine 19 with arginine.
Molecular consequence: missense variant.
Genome position (GRCh38, 1-based): chr13:32,316,515, T>C. VCF-style: chr13-32316515-T-C. GRCh37 (hg19) VCF-style: chr13-32890652-T-C.
Other names: short protein forms C19R.
Identifiers: ClinVar variation 925740 (VCV000925740.10), dbSNP rs2072262127, ClinGen allele CA387753076.

ClinVar aggregate classification (germline): Uncertain significance. Review status: criteria provided, multiple submitters, no conflicts (2 of 4 stars). 4 submissions from 4 submitters: Uncertain significance (4). Last evaluated 2024-08-22.

Conditions:
Hereditary breast ovarian cancer syndrome. Also called: Hereditary breast and ovarian cancer syndrome; BRCA1- and BRCA2-Associated Hereditary Breast and Ovarian Cancer; Hereditary breast and ovarian cancer; Hereditary breast and ovarian cancer syndrome (HBOC); Breast and ovarian cancer; Hereditary breast and/or ovarian cancer syndrome. Identifiers: Orphanet 145, MedGen C0677776, MeSH D061325, MONDO:0003582. Disease mechanism: loss of function.
Hereditary cancer-predisposing syndrome. Also called: Neoplastic Syndromes, Hereditary; Tumor predisposition; Hereditary Cancer Syndrome; Hereditary neoplastic syndrome. Identifiers: Orphanet 140162, MedGen C0027672, MeSH D009386, MONDO:0015356.

Submissions (4):

Quest Diagnostics Nichols Institute San Juan Capistrano
Classification: Uncertain significance. Last evaluated: 2024-08-22. Review status: criteria provided, single submitter. Criteria: Quest Diagnostics criteria. Collection method: clinical testing. Allele origin: unknown.
Comment: The BRCA2 c.55T>C (p.Cys19Arg) variant has not been reported in individuals with BRCA2-related conditions in the published literature. It also has not been reported in large, multi-ethnic general populations (Genome Aggregation Database). Analysis of this variant using bioinformatics tools for the prediction of the effect of amino acid changes on protein structure and function yielded conflicting predictions that this variant is benign or damaging. Based on the available information, we are unable to determine the clinical significance of this variant.

Ambry Genetics
Classification: Uncertain significance for Hereditary cancer-predisposing syndrome. Last evaluated: 2024-08-15. Review status: criteria provided, single submitter. Criteria: Ambry Variant Classification Scheme 2023. Collection method: clinical testing. Allele origin: germline.
Comment: The p.C19R variant (also known as c.55T>C), located in coding exon 1 of the BRCA2 gene, results from a T to C substitution at nucleotide position 55. The cysteine at codon 19 is replaced by arginine, an amino acid with highly dissimilar properties. This amino acid position is highly conserved in available vertebrate species. In addition, the in silico prediction for this alteration is inconclusive. Based on the available evidence, the clinical significance of this variant remains unclear.

Labcorp Genetics (formerly Invitae), Labcorp
Classification: Uncertain significance for Hereditary breast ovarian cancer syndrome. Last evaluated: 2023-04-22. Review status: criteria provided, single submitter. Criteria: Invitae Variant Classification Sherloc (09022015). Collection method: clinical testing. Allele origin: germline.
Comment: In summary, the available evidence is currently insufficient to determine the role of this variant in disease. Therefore, it has been classified as a Variant of Uncertain Significance. Advanced modeling of protein sequence and biophysical properties (such as structural, functional, and spatial information, amino acid conservation, physicochemical variation, residue mobility, and thermodynamic stability) performed at Invitae indicates that this missense variant is not expected to disrupt BRCA2 protein function. ClinVar contains an entry for this variant (Variation ID: 925740). This variant has not been reported in the literature in individuals affected with BRCA2-related conditions. This variant is not present in population databases (gnomAD no frequency). This sequence change replaces cysteine, which is neutral and slightly polar, with arginine, which is basic and polar, at codon 19 of the BRCA2 protein (p.Cys19Arg).

Color Diagnostics, LLC DBA Color Health
Classification: Uncertain significance for Hereditary cancer-predisposing syndrome. Last evaluated: 2020-03-03. Review status: criteria provided, single submitter. Criteria: ACMG Guidelines, 2015. Collection method: clinical testing. Allele origin: germline.
Comment: This missense variant replaces cysteine with arginine at codon 19 of the BRCA2 protein. Computational prediction suggests that this variant may not impact protein structure and function (internally defined REVEL score threshold <= 0.5, PMID: 27666373). Splice site prediction tools suggest that this variant may not impact RNA splicing. To our knowledge, functional studies have not been reported for this variant. This variant has not been reported in individuals affected with hereditary cancer in the literature. This variant has not been identified in the general population by the Genome Aggregation Database (gnomAD). The available evidence is insufficient to determine the role of this variant in disease conclusively. Therefore, this variant is classified as a Variant of Uncertain Significance.